The following is an entry in ClinVar:

NM_003737.4(DCHS1):c.3913C>A (p.Leu1305Ile)

Gene: DCHS1 (dachsous cadherin-related 1; minus strand). Cytogenetic location: 11p15.4.
Variant type: single nucleotide variant.
Coding change: c.3913C>A on transcript NM_003737.4 (MANE Select); coding-DNA position 3913, C replaced by A.
Protein change: p.Leu1305Ile; replaces leucine 1305 with isoleucine.
Molecular consequence: missense variant.
Genome position (GRCh38, 1-based): chr11:6,631,070, G>T on the plus strand (C>A on the coding strand, the complement: DCHS1 is on the minus strand). VCF-style: chr11-6631070-G-T. GRCh37 (hg19) VCF-style: chr11-6652301-G-T.
Other names: short protein forms L1305I.
Identifiers: ClinVar variation 4761143 (VCV004761143.1).
Genomic context (GRCh38, chr11:6,631,070, plus strand): 5'-GGGGACCTACAGCGGTAGCCAAGGGGAGGAAGGGCAGCCATACCTGCACCAGCAGCTGGA[G>T]GCTGGCACTTCGAGGAGGGCTGCCTTGGTCATGAGCACTCAGTGTCAGCACATAGTGGGG-3'
Protein context (NP_003728.1, residues 1295-1315): DQGSPPRSAS[Leu1305Ile]QLLVQVLPSA

ClinVar aggregate classification (germline): Uncertain significance (1 of 4 stars; one submission).

gnomAD v4.1: 1 of 1,610,418 alleles (0.000062%); highest among the groups gnomAD compares: Non-Finnish European, 0.000085%; no homozygotes.

Submission:

Labcorp Genetics (formerly Invitae), Labcorp
Classification: Uncertain significance. Last evaluated: 2025-05-30. Review status: criteria provided, single submitter. Criteria: Invitae Variant Classification Sherloc (09022015). Collection method: clinical testing. Allele origin: germline.
Comment: This sequence change replaces leucine, which is neutral and non-polar, with isoleucine, which is neutral and non-polar, at codon 1305 of the DCHS1 protein (p.Leu1305Ile). This variant is not present in population databases (gnomAD no frequency). This variant has not been reported in the literature in individuals affected with DCHS1-related conditions. Invitae Evidence Modeling of protein sequence and biophysical properties (such as structural, functional, and spatial information, amino acid conservation, physicochemical variation, residue mobility, and thermodynamic stability) indicates that this missense variant is not expected to disrupt DCHS1 protein function with a negative predictive value of 80%. In summary, the available evidence is currently insufficient to determine the role of this variant in disease. Therefore, it has been classified as a Variant of Uncertain Significance.